The following is an entry in ClinVar:

ClinVar aggregate classification (germline): Uncertain significance (1 of 4 stars; one submission).

Conditions:
Retinoblastoma (RB1). Also called: RETINOBLASTOMA, SOMATIC. Identifiers: Orphanet 790, MedGen C0035335, MeSH D012175, MONDO:0008380, OMIM 180200, HP:0009919. Disease mechanism: loss of function. Inheritance: Both sporadic and heritable forms are tested..

Submission:

Labcorp Genetics (formerly Invitae), Labcorp
Classification: Uncertain significance for Retinoblastoma. Last evaluated: 2025-09-22. Review status: criteria provided, single submitter. Criteria: Invitae Variant Classification Sherloc (09022015). Collection method: clinical testing. Allele origin: germline.
Comment: This variant occurs in a non-coding region of the RB1 gene. It does not change the encoded amino acid sequence of the RB1 protein. This variant is not present in population databases (gnomAD no frequency). This variant has not been reported in the literature in individuals affected with RB1-related conditions. Experimental studies and prediction algorithms are not available or were not evaluated, and the functional significance of this variant is currently unknown. In summary, the available evidence is currently insufficient to determine the role of this variant in disease. Therefore, it has been classified as a Variant of Uncertain Significance.

NC_000013.11:g.48303688G>C

Genes: RB1 (RB transcriptional corepressor 1; plus strand), RB1-DT (RB1 divergent transcript; minus strand). Cytogenetic location: 13q14.2.
Variant type: single nucleotide variant.
Molecular consequence: non-coding transcript variant (on NR_046414.2).
Genome position: GRCh38 VCF-style: chr13-48303688-G-C. GRCh37 (hg19) VCF-style: chr13-48877824-G-C.
Identifiers: ClinVar variation 3671481 (VCV003671481.2).